The following is an entry in ClinVar:

ClinVar aggregate classification (germline): Likely benign (1 of 4 stars; one submission).

gnomAD v4.1: 4 of 152,160 alleles (0.0026%); highest among the groups gnomAD compares: Admixed American, 0.0065%; no homozygotes.

Submission:

CeGaT Center for Human Genetics Tuebingen
Classification: Likely benign. Last evaluated: 2026-02-01. Review status: criteria provided, single submitter. Criteria: CeGaT Center For Human Genetics Tuebingen Variant Classification Criteria Version 2. Collection method: clinical testing. Allele origin: germline. Affected: yes. Observed: 1 variant allele.
Comment: BTD: BP4, BP7

NM_001370658.1(BTD):c.*4070G>A

Gene: BTD (biotinidase; plus strand). Cytogenetic location: 3p25.1.
Variant type: single nucleotide variant.
Coding change: c.*4070G>A on transcript NM_001370658.1 (MANE Select); 4070 bases downstream of the stop codon, G replaced by A.
Molecular consequence: 3 prime UTR variant. On other transcripts: synonymous variant (2), intron variant (6).
Genome position (GRCh38, 1-based): chr3:15,649,558, G>A. VCF-style: chr3-15649558-G-A. GRCh37 (hg19) VCF-style: chr3-15691065-G-A.
Other names: c.*4070G>A (NM_001281723.4, NM_001281724.3, NM_001281725.3 and 16 more transcripts); c.447G>A, p.Pro149= (NM_001407398.1, NM_001407399.1); c.1015+4627G>A (NM_001370752.1, NM_001407379.1); c.399+7501G>A (NM_001370753.1, NM_001407400.1, NM_001407401.1 and 1 more transcripts).
Identifiers: ClinVar variation 4822330 (VCV004822330.4).